The following is an entry in ClinVar:

NM_012434.5(SLC17A5):c.548A>G (p.His183Arg)

Gene: SLC17A5 (solute carrier family 17 member 5; minus strand). Cytogenetic location: 6q13.
Variant type: single nucleotide variant.
Coding change: c.548A>G on transcript NM_012434.5 (MANE Select); coding-DNA position 548, A replaced by G.
Protein change: p.His183Arg; replaces histidine 183 with arginine.
Molecular consequence: missense variant.
Genome position (GRCh38, 1-based): chr6:73,638,477, T>C on the plus strand (A>G on the coding strand, the complement: SLC17A5 is on the minus strand). VCF-style: chr6-73638477-T-C. GRCh37 (hg19) VCF-style: chr6-74348200-T-C.
Other names: c.548A>G (NM_012434.4); short protein forms H183R.
Identifiers: ClinVar variation 5618 (VCV000005618.4), dbSNP rs119491109, ClinGen allele CA253538.

ClinVar aggregate classification (germline): Likely pathogenic. Review status: criteria provided, multiple submitters, no conflicts (2 of 4 stars). 4 submissions from 4 submitters: Likely pathogenic (3). 1 of the submissions does not count toward it. Last evaluated 2025-07-15.

Conditions:
Salla disease (SD). Also called: Sialuria, Finnish type; N-acetylneuraminic acid (NANA) storage disease (NSD); Infantile sialic acid storage disorder (ISSD); Less Severe FSASD (Salla Disease). Identifiers: Orphanet 309334, Orphanet 834, MedGen C1096903, MONDO:0011449, OMIM 604369.
Sialic acid storage disease, severe infantile type (ISSD). Also called: Free sialic acid storage disease, infantile form; Infantile Sialic Acid Storage Disease; INFANTILE SIALIC ACID STORAGE DISORDER; N-ACETYLNEURAMINIC ACID STORAGE DISEASE; NANA STORAGE DISEASE; SIALURIA, INFANTILE FORM. Identifiers: Orphanet 309324, Orphanet 834, MedGen C1096902, MONDO:0010027, OMIM 269920.

Allele frequency attached by ClinVar (database versions not stated): gnomAD exomes below 0.00001.
gnomAD v4.1: 1 of 1,613,992 alleles (0.000062%); highest among the groups gnomAD compares: Admixed American, 0.0017%; no homozygotes.

Submissions (4):

Natera, Inc.
Classification: Likely pathogenic for Salla disease. Last evaluated: 2025-07-15. Review status: criteria provided, single submitter. Criteria: Natera Variant Classification Schema (03/2026). Collection method: clinical testing. Allele origin: germline.
Comment: The c.548A>G variant in SLC17A5 is a missense variant predicted to cause substitution of histidine to arginine at amino acid 183. This variant is rare in the general population with a frequency below the threshold expected for the associated phenotype(s). Functional studies show that this variant may disrupt protein function (PMID: 15516337). Computational prediction algorithms indicate this variant is likely to affect gene or protein function. Given the available evidence, this variant is classified as Likely Pathogenic.

Women's Health and Genetics/Laboratory Corporation of America, LabCorp
Classification: Likely pathogenic for Salla disease. Last evaluated: 2024-10-11. Review status: criteria provided, single submitter. Criteria: LabCorp Variant Classification Summary - May 2015. Collection method: clinical testing. Allele origin: germline.
Comment: Variant summary: SLC17A5 c.548A>G (p.His183Arg) results in a non-conservative amino acid change in the encoded protein sequence. Five of five in-silico tools predict a damaging effect of the variant on protein function. The variant allele was found at a frequency of 4e-06 in 251342 control chromosomes. c.548A>G has been reported in the literature in a compound heterozygous individual affected with Sialic Acid Storage Disorder (Verheijen_1999). Additionally, multiple publications evaluating an impact on protein function found that the variant did not impair expression at the plasma membrane, but resulted in the abolishment of normal transport activity (e.g. Morin_2004, Wreden_2005, Miyaji_2011). The following publications have been ascertained in the context of this evaluation (PMID: 21781115, 15510212, 10581036, 15516337). ClinVar contains an entry for this variant (Variation ID: 5618). Based on the evidence outlined above, the variant was classified as likely pathogenic.

Baylor Genetics
Classification: Likely pathogenic for Salla disease. Last evaluated: 2024-03-14. Review status: criteria provided, single submitter. Criteria: ACMG Guidelines, 2015. Collection method: clinical testing. Allele origin: unknown.

OMIM
Classification: Pathogenic for INFANTILE SIALIC ACID STORAGE DISORDER. Last evaluated: 1999-12-01. Review status: no assertion criteria provided. Collection method: literature only. Allele origin: germline. Not counted in ClinVar's aggregate classification.

Literature cited by the submitters: PubMed 15516337 (cited by Natera, Inc. and Women's Health and Genetics/Laboratory Corporation of America, LabCorp); PubMed 10581036 (cited by Women's Health and Genetics/Laboratory Corporation of America, LabCorp and OMIM); PubMed 21781115 (cited by Women's Health and Genetics/Laboratory Corporation of America, LabCorp); PubMed 15510212 (cited by Women's Health and Genetics/Laboratory Corporation of America, LabCorp); PubMed 7151835 (cited by OMIM).